The following is an entry in ClinVar:

ClinVar aggregate classification (germline): Conflicting classifications of pathogenicity. Review status: criteria provided, conflicting classifications (1 of 4 stars). 3 submissions from 3 submitters: Likely pathogenic (1); Uncertain significance (2). Last evaluated 2024-05-03.

Conditions:
Mucopolysaccharidosis, MPS-IV-A (MPS4A). Also called: Mucopolysaccharidosis type IV A; Mucopolysaccharidosis Type IVA; Morquio syndrome A, mild; MORQUIO SYNDROME A; MPS IVA; mucopolysaccharidosis type 4A. Identifiers: Orphanet 309297, Orphanet 582, MedGen C0086651, MONDO:0009659, OMIM 253000.

Submissions (3):

Women's Health and Genetics/Laboratory Corporation of America, LabCorp
Classification: Uncertain significance. Last evaluated: 2024-05-03. Review status: criteria provided, single submitter. Criteria: LabCorp Variant Classification Summary - May 2015. Collection method: clinical testing. Allele origin: germline.
Comment: Variant summary: GALNS c.1451C>T (p.Pro484Leu) results in a non-conservative amino acid change in the encoded protein sequence. Five of five in-silico tools predict a damaging effect of the variant on protein function. The variant was absent in 200542 control chromosomes. The available data on variant occurrences in the general population are insufficient to allow any conclusion about variant significance. c.1451C>T has been reported in the literature in one individual affected with Mucopolysaccharidosis Type IVA (Morquio Syndrome A) (Huang_2018, Yi_2022). These data do not allow any conclusion about variant significance. To our knowledge, no experimental evidence demonstrating an impact on protein function has been reported. The following publications have been ascertained in the context of this evaluation (PMID: 30138938, 35212421). ClinVar contains an entry for this variant (Variation ID: 1048242). Based on the evidence outlined above, the variant was classified as uncertain significance.

Fulgent Genetics
Classification: Likely pathogenic for Mucopolysaccharidosis, MPS-IV-A. Last evaluated: 2024-05-02. Review status: criteria provided, single submitter. Criteria: ACMG Guidelines, 2015. Collection method: clinical testing. Allele origin: germline.

Laboratory of Diagnosis and Therapy of Lysosomal Disorders, University of Padova
Classification: Uncertain significance for Mucopolysaccharidosis, MPS-IV-A. Last evaluated: 2021-02-01. Review status: criteria provided, single submitter. Criteria: ACMG Guidelines, 2015. Collection method: curation. Allele origin: germline. Affected: yes.
Comment: Absent from gnomAD v2.1.1 (PM2_moderate); multiple lines of computational evidence support a deleterious effect on the gene (PP3_supporting)

Literature cited by the submitters: PubMed 30138938 (cited by Women's Health and Genetics/Laboratory Corporation of America, LabCorp and Laboratory of Diagnosis and Therapy of Lysosomal Disorders, University of Padova); PubMed 35212421 (cited by Women's Health and Genetics/Laboratory Corporation of America, LabCorp); PubMed 34387910 (cited by Laboratory of Diagnosis and Therapy of Lysosomal Disorders, University of Padova).

NM_000512.5(GALNS):c.1451C>T (p.Pro484Leu)

Genes: GALNS (galactosamine (N-acetyl)-6-sulfatase; minus strand), LOC126862447 (CDK7 strongly-dependent group 2 enhancer GRCh37_chr16:88884193-88885392; plus strand). Cytogenetic location: 16q24.3.
Variant type: single nucleotide variant.
Coding change: c.1451C>T on transcript NM_000512.5 (MANE Select); coding-DNA position 1451, C replaced by T.
Protein change: p.Pro484Leu; replaces proline 484 with leucine.
Molecular consequence: missense variant.
Genome position (GRCh38, 1-based): chr16:88,818,038, G>A on the plus strand (C>T on the coding strand, the complement: GALNS is on the minus strand). VCF-style: chr16-88818038-G-A. GRCh37 (hg19) VCF-style: chr16-88884446-G-A.
Other names: c.896C>T, p.Pro299Leu (NM_001323543.2); c.1469C>T, p.Pro490Leu (NM_001323544.2); short protein forms P299L, P484L, P490L.
Identifiers: ClinVar variation 1048242 (VCV001048242.5), dbSNP rs1482155729, ClinGen allele CA397094198.